The following is an entry in ClinVar:

ClinVar aggregate classification (germline): Uncertain significance (1 of 4 stars; one submission).

Conditions:
Developmental delay with autism spectrum disorder and gait instability (MRT38). Also called: Intellectual developmental disorder, autosomal recessive 38. Identifiers: Orphanet 329195, MedGen C3809753, MONDO:0014224, OMIM 615516.

Allele frequency attached by ClinVar (database versions not stated): gnomAD 0.00005; gnomAD exomes 0.00005 and 0.00006; ExAC 0.00007; TOPMed 0.00010.
gnomAD v4.1: 89 of 1,613,792 alleles (0.0055%); highest among the groups gnomAD compares: Middle Eastern, 0.016%; no homozygotes.

Submission:

Baylor Genetics
Classification: Uncertain significance for Developmental delay with autism spectrum disorder and gait instability. Last evaluated: 2018-07-19. Review status: criteria provided, single submitter. Criteria: ACMG Guidelines, 2015. Collection method: clinical testing. Allele origin: maternal. Affected: yes.
Comment: This variant was determined to be of uncertain significance according to ACMG Guidelines, 2015 [PMID:25741868].

NM_004667.6(HERC2):c.8509G>A (p.Val2837Ile)

Gene: HERC2 (HECT and RLD domain containing E3 ubiquitin protein ligase 2; minus strand). Cytogenetic location: 15q13.1.
Variant type: single nucleotide variant.
Coding change: c.8509G>A on transcript NM_004667.6 (MANE Select); coding-DNA position 8509, G replaced by A.
Protein change: p.Val2837Ile; replaces valine 2837 with isoleucine.
Molecular consequence: missense variant.
Genome position (GRCh38, 1-based): chr15:28,191,187, C>T on the plus strand (G>A on the coding strand, the complement: HERC2 is on the minus strand). VCF-style: chr15-28191187-C-T. GRCh37 (hg19) VCF-style: chr15-28436333-C-T.
Other names: short protein forms V2837I.
Identifiers: ClinVar variation 1032257 (VCV001032257.1), dbSNP rs752233283, ClinGen allele CA7441451.
Genomic context (GRCh38, chr15:28,191,187, plus strand): 5'-TAACTGAATTACCTGACACTACAACCAGGGACGGCATGTAGCTACTGTCAGCAGGATCTA[C>T]GATCATTTTTAATCTATGAACAAGAACATCTGGGAAAATCTCCAAACGAATCCAGTGCTT-3'
Protein context (NP_004658.3, residues 2827-2847): DVLVHRLKMI[Val2837Ile]DPADSSYMPS